The following is an entry in ClinVar:

NM_133497.4(KCNV2):c.253A>G (p.Lys85Glu)

Gene: KCNV2 (potassium voltage-gated channel modifier subfamily V member 2; plus strand). Cytogenetic location: 9p24.2.
Variant type: single nucleotide variant.
Coding change: c.253A>G on transcript NM_133497.4 (MANE Select); coding-DNA position 253, A replaced by G.
Protein change: p.Lys85Glu; replaces lysine 85 with glutamic acid.
Molecular consequence: missense variant.
Genome position (GRCh38, 1-based): chr9:2,717,992, A>G. VCF-style: chr9-2717992-A-G. GRCh37 (hg19) VCF-style: chr9-2717992-A-G.
Other names: short protein forms K85E.
Identifiers: ClinVar variation 914189 (VCV000914189.5), dbSNP rs1361483057, ClinGen allele CA372796174.

ClinVar aggregate classification (germline): Uncertain significance. Review status: criteria provided, multiple submitters, no conflicts (2 of 4 stars). 2 submissions from 2 submitters: Uncertain significance (2). Last evaluated 2022-05-29.

Conditions:
Cone dystrophy with supernormal rod response (CDSRR). Also called: CONE DYSTROPHY WITH SUPERNORMAL ROD RESPONSES. Identifiers: Orphanet 209932, MedGen C1835897, MONDO:0012475, OMIM 610356.

Allele frequency attached by ClinVar (database versions not stated): gnomAD exomes below 0.00001 and 0.00001; gnomAD 0.00001; TOPMed 0.00001.

Submissions (2):

Labcorp Genetics (formerly Invitae), Labcorp
Classification: Uncertain significance. Last evaluated: 2022-05-29. Review status: criteria provided, single submitter. Criteria: Invitae Variant Classification Sherloc (09022015). Collection method: clinical testing. Allele origin: germline.
Comment: This sequence change replaces lysine, which is basic and polar, with glutamic acid, which is acidic and polar, at codon 85 of the KCNV2 protein (p.Lys85Glu). This variant is present in population databases (no rsID available, gnomAD 0.0009%). This variant has not been reported in the literature in individuals affected with KCNV2-related conditions. ClinVar contains an entry for this variant (Variation ID: 914189). Advanced modeling of protein sequence and biophysical properties (such as structural, functional, and spatial information, amino acid conservation, physicochemical variation, residue mobility, and thermodynamic stability) performed at Invitae indicates that this missense variant is not expected to disrupt KCNV2 protein function. In summary, the available evidence is currently insufficient to determine the role of this variant in disease. Therefore, it has been classified as a Variant of Uncertain Significance.

Illumina Laboratory Services, Illumina
Classification: Uncertain significance for Cone dystrophy with supernormal rod response. Last evaluated: 2018-01-13. Review status: criteria provided, single submitter. Criteria: ICSL Variant Classification Criteria 13 December 2019. Collection method: clinical testing. Allele origin: germline.